The following is an entry in ClinVar:

ClinVar aggregate classification (germline): Uncertain significance (1 of 4 stars; one submission).

Conditions:
Emery-Dreifuss muscular dystrophy 5, autosomal dominant (EDMD5). Also called: EMERY-DREIFUSS MUSCULAR DYSTROPHY 5. Identifiers: Orphanet 261, MedGen C2751805, MONDO:0013072, OMIM 612999.

Submission:

Labcorp Genetics (formerly Invitae), Labcorp
Classification: Uncertain significance for Emery-Dreifuss muscular dystrophy 5, autosomal dominant. Last evaluated: 2023-08-23. Review status: criteria provided, single submitter. Criteria: Invitae Variant Classification Sherloc (09022015). Collection method: clinical testing. Allele origin: germline.
Comment: This sequence change falls in intron 19 of the SYNE2 gene. It does not directly change the encoded amino acid sequence of the SYNE2 protein. This variant is not present in population databases (gnomAD no frequency). In summary, the available evidence is currently insufficient to determine the role of this variant in disease. Therefore, it has been classified as a Variant of Uncertain Significance. This variant has not been reported in the literature in individuals affected with SYNE2-related conditions. Algorithms developed to predict the effect of sequence changes on RNA splicing suggest that this variant may disrupt the consensus splice site.

NM_182914.3(SYNE2):c.2314-12T>G

Gene: SYNE2 (spectrin repeat containing nuclear envelope protein 2; plus strand). Cytogenetic location: 14q23.2.
Variant type: single nucleotide variant.
Coding change: c.2314-12T>G on transcript NM_182914.3 (MANE Select); 12 bases into the intron before coding-DNA position 2314, T replaced by G.
Molecular consequence: intron variant.
Genome position (GRCh38, 1-based): chr14:63,990,399, T>G. VCF-style: chr14-63990399-T-G. GRCh37 (hg19) VCF-style: chr14-64457117-T-G.
Other names: c.2314-12T>G (NM_015180.6).
Identifiers: ClinVar variation 2980865 (VCV002980865.3), dbSNP rs2550919090, ClinGen allele CA2740097099.